The following is an entry in ClinVar:

NM_001365536.1(SCN9A):c.3206A>C (p.His1069Pro)

Genes: SCN9A (sodium voltage-gated channel alpha subunit 9; minus strand), SCN1A-AS1 (SCN1A and SCN9A antisense RNA 1; plus strand). Cytogenetic location: 2q24.3.
Variant type: single nucleotide variant.
Coding change: c.3206A>C on transcript NM_001365536.1 (MANE Select); coding-DNA position 3206, A replaced by C.
Protein change: p.His1069Pro; replaces histidine 1069 with proline.
Molecular consequence: missense variant.
Genome position (GRCh38, 1-based): chr2:166,272,544, T>G on the plus strand (A>C on the coding strand, the complement: SCN9A is on the minus strand). VCF-style: chr2-166272544-T-G. GRCh37 (hg19) VCF-style: chr2-167129054-T-G.
Other names: c.3173A>C, p.His1058Pro (NM_002977.4); short protein forms H1058P, H1069P.
Identifiers: ClinVar variation 567875 (VCV000567875.9), dbSNP rs1157028159, ClinGen allele CA349073178.

ClinVar aggregate classification (germline): Uncertain significance (1 of 4 stars; one submission).

Conditions:
Neuropathy, hereditary sensory and autonomic, type 2A (HSAN2A). Also called: ACROOSTEOLYSIS, GIACCAI TYPE; ACROOSTEOLYSIS, NEUROGENIC; MORVAN DISEASE; NEUROPATHY, CONGENITAL SENSORY; NEUROPATHY, HEREDITARY SENSORY RADICULAR, AUTOSOMAL RECESSIVE; NEUROPATHY, HEREDITARY SENSORY, TYPE IIA. Identifiers: Orphanet 970, MedGen C2752089, MONDO:0024309, OMIM 201300.
Generalized epilepsy with febrile seizures plus, type 7 (GEFSP7). Also called: GEFS+, TYPE 7. Identifiers: Orphanet 36387, MedGen C2751778, MONDO:0013470, OMIM 613863.

Allele frequency attached by ClinVar (database versions not stated): gnomAD exomes below 0.00001; gnomAD 0.00001; TOPMed 0.00001.

Submission:

Labcorp Genetics (formerly Invitae), Labcorp
Classification: Uncertain significance for Neuropathy, hereditary sensory and autonomic, type 2A; Generalized epilepsy with febrile seizures plus, type 7. Last evaluated: 2018-03-03. Review status: criteria provided, single submitter. Criteria: Invitae Variant Classification Sherloc (09022015). Collection method: clinical testing. Allele origin: germline.
Comment: This sequence change replaces histidine with proline at codon 1058 of the SCN9A protein (p.His1058Pro). The histidine residue is weakly conserved and there is a moderate physicochemical difference between histidine and proline. This variant is not present in population databases (ExAC no frequency). This variant has not been reported in the literature in individuals with SCN9A-related disease. Algorithms developed to predict the effect of missense changes on protein structure and function (SIFT, PolyPhen-2, Align-GVGD) all suggest that this variant is likely to be tolerated, but these predictions have not been confirmed by published functional studies and their clinical significance is uncertain. In summary, the available evidence is currently insufficient to determine the role of this variant in disease. Therefore, it has been classified as a Variant of Uncertain Significance.